The following is an entry in ClinVar:

ClinVar aggregate classification (germline): Uncertain significance (1 of 4 stars; one submission).

Conditions:
EP300-related disorder. Also called: EP300-related condition; EP300-related disorders.

Submission:

PreventionGenetics, part of Exact Sciences
Classification: Uncertain significance for EP300-related condition. Last evaluated: 2026-06-10. Review status: criteria provided, single submitter. Criteria: ACMG Guidelines, 2015. Collection method: clinical testing. Allele origin: germline.
Comment: The EP300 c.5870C>T variant is predicted to result in the amino acid substitution p.Pro1957Leu. To our knowledge, this variant has not been reported in the literature. This variant is reported in 0.00088% of alleles in individuals of European (Non-Finnish) descent in gnomAD. At this time, the clinical significance of this variant is uncertain due to the absence of conclusive functional and genetic evidence.

NM_001429.4(EP300):c.5870C>T (p.Pro1957Leu)

Gene: EP300 (EP300 lysine acetyltransferase; plus strand). Cytogenetic location: 22q13.2.
Variant type: single nucleotide variant.
Coding change: c.5870C>T on transcript NM_001429.4 (MANE Select); coding-DNA position 5870, C replaced by T.
Protein change: p.Pro1957Leu; replaces proline 1957 with leucine.
Molecular consequence: missense variant.
Genome position (GRCh38, 1-based): chr22:41,177,581, C>T. VCF-style: chr22-41177581-C-T. GRCh37 (hg19) VCF-style: chr22-41573585-C-T.
Other names: c.5792C>T, p.Pro1931Leu (NM_001362843.2); short protein forms P1931L, P1957L.
Identifiers: ClinVar variation 4995579 (VCV004995579.1).
Genomic context (GRCh38, chr22:41,177,581, plus strand): 5'-AGACGCAGCGCCAGATGGCCCACGTGCAAATTTTTCAAAGGCCAATCCAACACCAGATGC[C>T]CCCGATGACTCCCATGGCCCCCATGGGTATGAACCCACCTCCCATGACCAGAGGTCCCAG-3'
Protein context (NP_001420.2, residues 1947-1967): IFQRPIQHQM[Pro1957Leu]PMTPMAPMGM